The following is an entry in ClinVar:

ClinVar aggregate classification (germline): Uncertain significance (1 of 4 stars; one submission).

Conditions:
Familial thoracic aortic aneurysm and aortic dissection (TAAD). Also called: Thoracic aortic aneurysms and dissections. Identifiers: Orphanet 91387, MedGen C4707243, MONDO:0019625.

gnomAD v4.1: 1 of 1,610,416 alleles (0.000062%); highest among the groups gnomAD compares: Admixed American, 0.0017%; no homozygotes.

Submission:

Color Diagnostics, LLC DBA Color Health
Classification: Uncertain significance for Familial thoracic aortic aneurysm and aortic dissection. Last evaluated: 2025-10-07. Review status: criteria provided, single submitter. Criteria: ACMG Guidelines, 2015. Collection method: clinical testing. Allele origin: germline.
Comment: This variant causes a G to C nucleotide substitution at the +6 position of intron 1 of the SMAD3 gene. To our knowledge, functional studies have not been reported for this variant. This variant has not been reported in individuals affected with SMAD3-related disorders in the literature. This variant has been identified in 1/1458434 chromosomes in the general population by the Genome Aggregation Database (gnomAD). The available evidence is insufficient to determine the role of this variant in disease conclusively. Therefore, this variant is classified as a Variant of Uncertain Significance.

NM_005902.4(SMAD3):c.206+6G>C

Gene: SMAD3 (SMAD family member 3; plus strand). Cytogenetic location: 15q22.33.
Variant type: single nucleotide variant.
Coding change: c.206+6G>C on transcript NM_005902.4 (MANE Select); 6 bases into the intron after coding-DNA position 206, G replaced by C.
Molecular consequence: intron variant.
Genome position (GRCh38, 1-based): chr15:67,066,366, G>C. VCF-style: chr15-67066366-G-C. GRCh37 (hg19) VCF-style: chr15-67358704-G-C.
Other names: c.206+6G>C (NM_001407011.1, NM_001407013.1, NM_001407012.1).
Identifiers: ClinVar variation 4758426 (VCV004758426.1).
Genomic context (GRCh38, chr15:67,066,366, plus strand): 5'-TGGAGAAGGCCATCACCACGCAGAACGTCAACACCAAGTGCATCACCATCCCCAGGTGGG[G>C]GCCCGCCCGGGGGGGACCCGGGGTCACGCCGGCCCAGCCCCCTGGCACTGCGGGGCCGAC-3'